The following is an entry in ClinVar:

ClinVar aggregate classification (germline): Uncertain significance. Review status: criteria provided, multiple submitters, no conflicts (2 of 4 stars). 3 submissions from 3 submitters: Uncertain significance (3). Last evaluated 2025-06-03.

Conditions:
Inborn genetic diseases. Identifiers: MedGen C0950123, MeSH D030342.
Bilateral parasagittal parieto-occipital polymicrogyria. Also called: Polymicrogyria, bilateral temporooccipital. Identifiers: Orphanet 208441, MedGen C4013648, MONDO:0012986, OMIM 612691.
Charcot-Marie-Tooth disease type 4. Also called: Charcot-Marie-Tooth, Type 4; Charcot-Marie-Tooth disease, type IV. Identifiers: Orphanet 64749, MedGen C4082197, MONDO:0018995.

Allele frequency attached by ClinVar (database versions not stated): gnomAD exomes below 0.00001.
gnomAD v4.1: 2 of 1,613,386 alleles (0.00012%); highest among the groups gnomAD compares: Non-Finnish European, 0.00017%; no homozygotes.

Submissions (3):

Ambry Genetics
Classification: Uncertain significance for Inborn genetic diseases. Last evaluated: 2025-06-03. Review status: criteria provided, single submitter. Criteria: Ambry Variant Classification Scheme 2023. Collection method: clinical testing. Allele origin: germline.

Labcorp Genetics (formerly Invitae), Labcorp
Classification: Uncertain significance for Charcot-Marie-Tooth disease type 4. Last evaluated: 2024-10-26. Review status: criteria provided, single submitter. Criteria: Invitae Variant Classification Sherloc (09022015). Collection method: clinical testing. Allele origin: germline.
Comment: This sequence change replaces lysine, which is basic and polar, with glutamic acid, which is acidic and polar, at codon 717 of the FIG4 protein (p.Lys717Glu). This variant is present in population databases (no rsID available, gnomAD 0.0009%). This variant has not been reported in the literature in individuals affected with FIG4-related conditions. ClinVar contains an entry for this variant (Variation ID: 1377094). An algorithm developed to predict the effect of missense changes on protein structure and function (PolyPhen-2) suggests that this variant¬†is likely to be tolerated. In summary, the available evidence is currently insufficient to determine the role of this variant in disease. Therefore, it has been classified as a Variant of Uncertain Significance.

Laboratorio de Genetica e Diagnostico Molecular, Hospital Israelita Albert Einstein
Classification: Uncertain significance for Bilateral parasagittal parieto-occipital polymicrogyria. Last evaluated: 2022-11-28. Review status: criteria provided, single submitter. Criteria: ACMG Guidelines, 2015. Collection method: clinical testing. Allele origin: germline. Affected: yes.
Comment: ACMG classification criteria: PM2 supporting, BP4 supporting

NM_014845.6(FIG4):c.2149A>G (p.Lys717Glu)

Gene: FIG4 (FIG4 phosphoinositide 5-phosphatase; plus strand). Cytogenetic location: 6q21.
Variant type: single nucleotide variant.
Coding change: c.2149A>G on transcript NM_014845.6 (MANE Select); coding-DNA position 2149, A replaced by G.
Protein change: p.Lys717Glu; replaces lysine 717 with glutamic acid.
Molecular consequence: missense variant.
Genome position (GRCh38, 1-based): chr6:109,789,646, A>G. VCF-style: chr6-109789646-A-G. GRCh37 (hg19) VCF-style: chr6-110110849-A-G.
Other names: c.2149A>G (NM_014845.5); short protein forms K717E.
Identifiers: ClinVar variation 1377094 (VCV001377094.8), dbSNP rs1259009213, ClinGen allele CA365232285.
Genomic context (GRCh38, chr6:109,789,646, plus strand): 5'-TTCTTTAGTGACTTTATGCCTAAGACCGTTGGAATTGATCCAAGTCCATTTACTGTGCGT[A>G]AACCAGATGAAACTGGAAAATCAGTATTGGGGTAAGATTTGTGTATAGAACGAAACTTTA-3'
Protein context (NP_055660.1, residues 707-727): GIDPSPFTVR[Lys717Glu]PDETGKSVLG